The following is an entry in ClinVar:

NM_004960.4(FUS):c.477C>G (p.Asn159Lys)

Gene: FUS (FUS RNA binding protein; plus strand). Cytogenetic location: 16p11.2.
Variant type: single nucleotide variant.
Coding change: c.477C>G on transcript NM_004960.4 (MANE Select); coding-DNA position 477, C replaced by G.
Protein change: p.Asn159Lys; replaces asparagine 159 with lysine.
Molecular consequence: missense variant. On other transcripts: non-coding transcript variant (1).
Genome position (GRCh38, 1-based): chr16:31,184,350, C>G. VCF-style: chr16-31184350-C-G. GRCh37 (hg19) VCF-style: chr16-31195671-C-G.
Other names: c.474C>G, p.Asn158Lys (NM_001170634.1); c.477C>G, p.Asn159Lys (NM_001170937.1); short protein forms N158K, N159K.
Identifiers: ClinVar variation 4795097 (VCV004795097.1).

ClinVar aggregate classification (germline): Uncertain significance (1 of 4 stars; one submission).

Conditions:
Amyotrophic lateral sclerosis type 6. Also called: Amyotrophic lateral sclerosis 6, with or without frontotemporal dementia; FUS-Related Amyotrophic Laterial Sclerosis; AMYOTROPHIC LATERAL SCLEROSIS 6 WITHOUT FRONTOTEMPORAL DEMENTIA. Identifiers: Orphanet 275872, Orphanet 803, MedGen C2931786, MONDO:0011951, OMIM 608030.
Tremor, hereditary essential, 4 (ETM4). Identifiers: MedGen C3539195, MONDO:0013888, OMIM 614782.

gnomAD v4.1: 2 of 1,613,926 alleles (0.00012%); highest among the groups gnomAD compares: Admixed American, 0.0017%; no homozygotes.

Submission:

Labcorp Genetics (formerly Invitae), Labcorp
Classification: Uncertain significance for Tremor, hereditary essential, 4; Amyotrophic lateral sclerosis type 6. Last evaluated: 2025-04-17. Review status: criteria provided, single submitter. Criteria: Invitae Variant Classification Sherloc (09022015). Collection method: clinical testing. Allele origin: germline.
Comment: This sequence change replaces asparagine, which is neutral and polar, with lysine, which is basic and polar, at codon 159 of the FUS protein (p.Asn159Lys). This variant is not present in population databases (gnomAD no frequency). This variant has not been reported in the literature in individuals affected with FUS-related conditions. Experimental studies and prediction algorithms are not available or were not evaluated, and the functional significance of this variant is currently unknown. In summary, the available evidence is currently insufficient to determine the role of this variant in disease. Therefore, it has been classified as a Variant of Uncertain Significance.